The following is an entry in ClinVar:

ClinVar aggregate classification (germline): Likely benign. Review status: criteria provided, multiple submitters, no conflicts (2 of 4 stars). 3 submissions from 3 submitters: Likely benign (2). 1 of the submissions does not count toward it. Last evaluated 2025-06-01.

Conditions:
Lipoic acid synthetase deficiency. Also called: HYPERGLYCINEMIA, LACTIC ACIDOSIS, AND SEIZURES. Identifiers: Orphanet 401859, MedGen C3280887, MONDO:0013762, OMIM 614462.
LIAS-related disorder. Also called: LIAS-related condition.

Allele frequency attached by ClinVar (database versions not stated): gnomAD 0.00001; gnomAD exomes 0.00001; ExAC 0.00002; TOPMed 0.00004.
gnomAD v4.1: 4 of 1,613,848 alleles (0.00025%); highest among the groups gnomAD compares: Admixed American, 0.0033%; no homozygotes.

Submissions (3):

Labcorp Genetics (formerly Invitae), Labcorp
Classification: Likely benign for Lipoic acid synthetase deficiency. Last evaluated: 2025-06-01. Review status: criteria provided, single submitter. Criteria: Invitae Variant Classification Sherloc (09022015). Collection method: clinical testing. Allele origin: germline.

Athena Diagnostics
Classification: Likely benign. Last evaluated: 2024-09-24. Review status: criteria provided, single submitter. Criteria: Athena Diagnostics Criteria. Collection method: clinical testing. Allele origin: unknown.

PreventionGenetics, part of Exact Sciences
Classification: Likely benign for LIAS-related condition. Last evaluated: 2019-06-25. Review status: no assertion criteria provided. Collection method: clinical testing. Allele origin: germline. Not counted in ClinVar's aggregate classification.
Comment: This variant is classified as likely benign based on ACMG/AMP sequence variant interpretation guidelines (Richards et al. 2015 PMID: 25741868, with internal and published modifications).

NM_006859.4(LIAS):c.18G>A (p.Gly6=)

Genes: LIAS (lipoic acid synthetase; plus strand), LOC112939935 (Sharpr-MPRA regulatory region 11886; plus strand). Cytogenetic location: 4p14.
Variant type: single nucleotide variant.
Coding change: c.18G>A on transcript NM_006859.4 (MANE Select); coding-DNA position 18, G replaced by A.
Protein change: p.Gly6=; no amino-acid change (glycine 6 retained).
Molecular consequence: synonymous variant.
Genome position (GRCh38, 1-based): chr4:39,459,135, G>A. VCF-style: chr4-39459135-G-A. GRCh37 (hg19) VCF-style: chr4-39460755-G-A.
Other names: c.18G>A, p.Gly6= (NM_001278590.2, NM_001278591.2, NM_001278592.2 and 2 more transcripts); c.18G>A (NM_006859.3, NM_006859.2).
Identifiers: ClinVar variation 1096249 (VCV001096249.12), dbSNP rs774040503, ClinGen allele CA2894534.
Genomic context (GRCh38, chr4:39,459,135, plus strand): 5'-AGCGATCCCTCAACCCCTGCACTGCGCTAGTCCTAAAGAGGAAATGTCTCTACGCTGCGG[G>A]GATGCAGCCCGCACCCTGGGGCCCCGGGTGAGCGGCGGGGCGAACGGGTTTGGGCGTGGG-3'
Protein context (NP_006850.2, residues 1-16): MSLRC[Gly6=]DAARTLGPRV